The following is an entry in ClinVar:

NM_133510.4(RAD51B):c.316-12_316-3dup

Gene: RAD51B (RAD51 paralog B; plus strand). Cytogenetic location: 14q24.1.
Variant type: Duplication.
Coding change: c.316-12_316-3dup on transcript NM_133510.4 (MANE Select); 12 bases into the intron before coding-DNA position 316 through 3 bases into the intron before coding-DNA position 316, 10 bases duplicated (TTTTTTTTTT; older notation c.316-12_316-3dupTTTTTTTTTT).
Molecular consequence: intron variant.
Genome position (GRCh38, 1-based): chr14:67,864,991-67,865,000, TTTTTTTTTT duplicated; duplicating any 10 consecutive bases within chr14:67,864,962-67,865,000 gives the same sequence; the c. name uses the placement nearest the transcript's 3' end. VCF-style (leftmost placement, unchanged base first): chr14-67864961-C-CTTTTTTTTTT. GRCh37 (hg19) VCF-style: chr14-68331678-C-CTTTTTTTTTT.
Other names: c.316-12_316-3dup (NM_001321818.2, NM_001321809.2, NM_001321821.2 and 6 more transcripts); c.-42-12_-42-3dup (NM_001321817.2); c.202-12_202-3dup (NM_001321815.1).
Identifiers: ClinVar variation 3033284 (VCV003033284.2), dbSNP rs745505141, ClinGen allele CA964257157.

ClinVar aggregate classification (germline): Likely benign (0 of 4 stars; one submission).

Conditions:
RAD51B-related disorder. Also called: RAD51B-related condition.

Submission:

PreventionGenetics, part of Exact Sciences
Classification: Likely benign for RAD51B-related condition. Last evaluated: 2020-10-12. Review status: no assertion criteria provided. Collection method: clinical testing. Allele origin: germline.
Comment: This variant is classified as likely benign based on ACMG/AMP sequence variant interpretation guidelines (Richards et al. 2015 PMID: 25741868, with internal and published modifications).